The following is an entry in ClinVar:

NM_001206927.2(DNAH8):c.7396G>T (p.Glu2466Ter)

Gene: DNAH8 (dynein axonemal heavy chain 8; plus strand). Cytogenetic location: 6p21.2.
Variant type: single nucleotide variant.
Coding change: c.7396G>T on transcript NM_001206927.2 (MANE Select); coding-DNA position 7396, G replaced by T.
Protein change: p.Glu2466Ter; replaces glutamic acid 2466 with a stop codon.
Molecular consequence: nonsense.
Genome position (GRCh38, 1-based): chr6:38,873,064, G>T. VCF-style: chr6-38873064-G-T. GRCh37 (hg19) VCF-style: chr6-38840840-G-T.
Other names: c.6745G>T, p.Glu2249Ter (NM_001371.4); short protein forms E2249*, E2466*.
Identifiers: ClinVar variation 2711299 (VCV002711299.3), dbSNP rs1430752700, ClinGen allele CA364027950.

ClinVar aggregate classification (germline): Pathogenic (1 of 4 stars; one submission).

Conditions:
Primary ciliary dyskinesia. Also called: Ciliary dyskinesia. Identifiers: Orphanet 244, MedGen C0008780, MONDO:0016575, HP:0012265.

gnomAD v4.1: 1 of 1,614,028 alleles (0.000062%); highest among the groups gnomAD compares: South Asian, 0.0011%; no homozygotes.

Submission:

Labcorp Genetics (formerly Invitae), Labcorp
Classification: Pathogenic for Primary ciliary dyskinesia. Last evaluated: 2024-01-25. Review status: criteria provided, single submitter. Criteria: Invitae Variant Classification Sherloc (09022015). Collection method: clinical testing. Allele origin: germline.
Comment: This sequence change creates a premature translational stop signal (p.Glu2466*) in the DNAH8 gene. It is expected to result in an absent or disrupted protein product. Loss-of-function variants in DNAH8 are known to be pathogenic (PMID: 24307375, 32619401, 32681648). This variant is not present in population databases (gnomAD no frequency). This variant has not been reported in the literature in individuals affected with DNAH8-related conditions. Algorithms developed to predict the effect of sequence changes on RNA splicing suggest that this variant may disrupt the consensus splice site. For these reasons, this variant has been classified as Pathogenic.

Literature cited by the submitters: PubMed 24307375; PubMed 32619401; PubMed 32681648.